The following is an entry in ClinVar:

NM_172107.4(KCNQ2):c.1935dup (p.Gln646fs)

Gene: KCNQ2 (potassium voltage-gated channel subfamily Q member 2; minus strand). Cytogenetic location: 20q13.33.
Variant type: Duplication.
Coding change: c.1935dup on transcript NM_172107.4 (MANE Select); coding-DNA position 1935, one base duplicated (G; older notation c.1935dupG).
Protein change: p.Gln646fs; shifts the reading frame from glutamine 646.
Molecular consequence: frameshift variant.
Genome position (GRCh38, 1-based): chr20:63,407,328, C duplicated on the plus strand (G on the coding strand, the reverse complement: KCNQ2 is on the minus strand). VCF-style (leftmost placement, unchanged base first): chr20-63407327-G-GC. GRCh37 (hg19) VCF-style: chr20-62038680-G-GC.
Other names: c.1989dup, p.Gln664fs (NM_001382235.1); c.1851dup, p.Gln618fs (NM_004518.6); c.1881dup, p.Gln628fs (NM_172106.3); c.1842dup, p.Gln615fs (NM_172108.5); short protein forms Q618fs, Q628fs, Q646fs, Q615fs, Q664fs.
Identifiers: ClinVar variation 2808507 (VCV002808507.3), dbSNP rs2516105014, ClinGen allele CA2739277258.

ClinVar aggregate classification (germline): Pathogenic (1 of 4 stars; one submission).

Conditions:
Early-infantile DEE. Also called: Early infantile epileptic encephalopathy; Early infantile epileptic encephalopathy with suppression bursts; Ohtahara syndrome. Identifiers: Orphanet 1934, MedGen C0393706, MONDO:0800491.

Submission:

Labcorp Genetics (formerly Invitae), Labcorp
Classification: Pathogenic for Early-infantile DEE. Last evaluated: 2022-10-14. Review status: criteria provided, single submitter. Criteria: Invitae Variant Classification Sherloc (09022015). Collection method: clinical testing. Allele origin: germline.
Comment: This sequence change creates a premature translational stop signal (p.Gln646Alafs*219) in the KCNQ2 gene. While this is not anticipated to result in nonsense mediated decay, it is expected to disrupt the last 227 amino acid(s) of the KCNQ2 protein. This variant is not present in population databases (gnomAD no frequency). This variant has not been reported in the literature in individuals affected with KCNQ2-related conditions. This variant disrupts a region of the KCNQ2 protein in which other variant(s) (p.Lys829Serfs*35) have been determined to be pathogenic (Invitae). This suggests that this is a clinically significant region of the protein, and that variants that disrupt it are likely to be disease-causing. For these reasons, this variant has been classified as Pathogenic.